The following is an entry in ClinVar:

NM_021100.5(NFS1):c.1358A>G (p.Lys453Arg)

Gene: NFS1 (NFS1 cysteine desulfurase; minus strand). Cytogenetic location: 20q11.22.
Variant type: single nucleotide variant.
Coding change: c.1358A>G on transcript NM_021100.5 (MANE Select); coding-DNA position 1358, A replaced by G.
Protein change: p.Lys453Arg; replaces lysine 453 with arginine.
Molecular consequence: missense variant. On other transcripts: non-coding transcript variant (1).
Genome position (GRCh38, 1-based): chr20:35,669,638, T>C on the plus strand (A>G on the coding strand, the complement: NFS1 is on the minus strand). VCF-style: chr20-35669638-T-C. GRCh37 (hg19) VCF-style: chr20-34257560-T-C.
Other names: c.1205A>G, p.Lys402Arg (NM_001198989.2); c.1358A>G (NM_021100.4); short protein forms K402R, K453R.
Identifiers: ClinVar variation 1395310 (VCV001395310.6), dbSNP rs145410950, ClinGen allele CA9836959.
Genomic context (GRCh38, chr20:35,669,638, plus strand): 5'-AGGCAGGAGGGGCCAGACCAGCACAAAGTCAGGGCCCTATTCTTCTAGTGTTGGGTCCAC[T>C]TGATGCTCTTGAGGTCAATGCCATCCTGAACCATCTCCCAGAGAGGGCTGCCAAAGAGAA-3'
Protein context (NP_066923.3, residues 443-457): VQDGIDLKSI[Lys453Arg]WTQH

ClinVar aggregate classification (germline): Uncertain significance. Review status: criteria provided, multiple submitters, no conflicts (2 of 4 stars). 2 submissions from 2 submitters: Uncertain significance (2). Last evaluated 2025-10-18.

gnomAD v4.1: 131 of 1,613,986 alleles (0.0081%); highest among the groups gnomAD compares: Non-Finnish European, 0.01%; no homozygotes.

Submissions (2):

Labcorp Genetics (formerly Invitae), Labcorp
Classification: Uncertain significance. Last evaluated: 2025-10-18. Review status: criteria provided, single submitter. Criteria: Invitae Variant Classification Sherloc (09022015). Collection method: clinical testing. Allele origin: germline.
Comment: This sequence change replaces lysine, which is basic and polar, with arginine, which is basic and polar, at codon 453 of the NFS1 protein (p.Lys453Arg). This variant is present in population databases (rs145410950, gnomAD 0.02%). This variant has not been reported in the literature in individuals affected with NFS1-related conditions. ClinVar contains an entry for this variant (Variation ID: 1395310). An algorithm developed to predict the effect of missense changes on protein structure and function (PolyPhen-2) suggests that this variant is likely to be tolerated. Algorithms developed to predict the effect of sequence changes on RNA splicing suggest that this variant may disrupt the consensus splice site. In summary, the available evidence is currently insufficient to determine the role of this variant in disease. Therefore, it has been classified as a Variant of Uncertain Significance.

Ambry Genetics
Classification: Uncertain significance. Last evaluated: 2022-02-11. Review status: criteria provided, single submitter. Criteria: Ambry Variant Classification Scheme 2023. Collection method: clinical testing. Allele origin: germline.